The following is an entry in ClinVar:

ClinVar aggregate classification (germline): Uncertain significance (1 of 4 stars; one submission).

Conditions:
ALDH18A1-related disorder. Also called: ALDH18A1-related disorders.

Submission:

PreventionGenetics, part of Exact Sciences
Classification: Uncertain significance for ALDH18A1-related condition. Last evaluated: 2025-12-15. Review status: criteria provided, single submitter. Criteria: ACMG Guidelines, 2015. Collection method: clinical testing. Allele origin: germline.
Comment: The ALDH18A1 c.1630G>A variant is predicted to result in the amino acid substitution p.Asp544Asn. To our knowledge, this variant has not been reported in the literature or in a large population database (gnomAD), indicating this variant is rare. At this time, the clinical significance of this variant is uncertain due to the absence of conclusive functional and genetic evidence.

NM_002860.4(ALDH18A1):c.1630G>A (p.Asp544Asn)

Gene: ALDH18A1 (aldehyde dehydrogenase 18 family member A1; minus strand). Cytogenetic location: 10q24.1.
Variant type: single nucleotide variant.
Coding change: c.1630G>A on transcript NM_002860.4 (MANE Select); coding-DNA position 1630, G replaced by A.
Protein change: p.Asp544Asn; replaces aspartic acid 544 with asparagine.
Molecular consequence: missense variant.
Genome position (GRCh38, 1-based): chr10:95,614,137, C>T on the plus strand (G>A on the coding strand, the complement: ALDH18A1 is on the minus strand). VCF-style: chr10-95614137-C-T. GRCh37 (hg19) VCF-style: chr10-97373894-C-T.
Other names: c.1624G>A, p.Asp542Asn (NM_001017423.2, NM_001323415.2); c.1297G>A, p.Asp433Asn (NM_001323412.2, NM_001323416.2); c.1630G>A, p.Asp544Asn (NM_001323413.2, NM_001323414.2); c.1525G>A, p.Asp509Asn (NM_001323417.2); c.1291G>A, p.Asp431Asn (NM_001323418.2); c.994G>A, p.Asp332Asn (NM_001323419.2); short protein forms D542N, D332N, D433N, D509N, D544N, D431N.
Identifiers: ClinVar variation 4996590 (VCV004996590.1).
Genomic context (GRCh38, chr10:95,614,137, plus strand): 5'-CCAGCTGGGAAGAGCCACGTGGAATGATCAGATCTATCATTTTGTCTAGGCGGCAAAGAT[C>T]TTCAACTTCTTCTCTGGTATTCACCTTTAGAAGGAAAGAAGAAAAAGATAAAGATGACAT-3'
Protein context (NP_002851.2, residues 534-554): QLVNTREEVE[Asp544Asn]LCRLDKMIDL